The following is an entry in ClinVar:

NM_004172.5(SLC1A3):c.925G>A (p.Val309Met)

Genes: SLC1A3 (solute carrier family 1 member 3; plus strand), SLC1A3-AS1 (SLC1A3 antisense RNA 1; minus strand). Cytogenetic location: 5p13.2.
Variant type: single nucleotide variant.
Coding change: c.925G>A on transcript NM_004172.5 (MANE Select); coding-DNA position 925, G replaced by A.
Protein change: p.Val309Met; replaces valine 309 with methionine.
Molecular consequence: missense variant.
Genome position (GRCh38, 1-based): chr5:36,679,691, G>A. VCF-style: chr5-36679691-G-A. GRCh37 (hg19) VCF-style: chr5-36679793-G-A.
Other names: c.925G>A, p.Val309Met (NM_001166695.3, NM_001438454.1, NM_001438455.1 and 3 more transcripts); c.787G>A, p.Val263Met (NM_001289939.2); c.589G>A, p.Val197Met (NM_001289940.2); c.1066G>A, p.Val356Met (NM_001438458.1); c.643G>A, p.Val215Met (NM_001438460.1); c.625G>A, p.Val209Met (NM_001438461.1); c.604G>A, p.Val202Met (NM_001438462.1); short protein forms V197M, V202M, V263M, V209M, V356M, V215M, V309M.
Identifiers: ClinVar variation 4977438 (VCV004977438.1).

ClinVar aggregate classification (germline): Uncertain significance (1 of 4 stars; one submission).

Conditions:
SLC1A3-related disorder. Also called: SLC1A3-related condition.

gnomAD v4.1: 3 of 1,614,214 alleles (0.00019%); highest among the groups gnomAD compares: African/African-American, 0.0013%; no homozygotes.

Submission:

PreventionGenetics, part of Exact Sciences
Classification: Uncertain significance for SLC1A3-related condition. Last evaluated: 2025-12-21. Review status: criteria provided, single submitter. Criteria: ACMG Guidelines, 2015. Collection method: clinical testing. Allele origin: germline.
Comment: The SLC1A3 c.925G>A variant is predicted to result in the amino acid substitution p.Val309Met. To our knowledge, this variant has not been reported in the literature. This variant is reported in 0.0062% of alleles in individuals of African descent in gnomAD. At this time, the clinical significance of this variant is uncertain due to the absence of conclusive functional and genetic evidence.